The following is an entry in ClinVar:

NM_001282531.3(ADNP):c.1035_1038del (p.Gln345_Ser346insTer)

Gene: ADNP (activity dependent neuroprotector homeobox; minus strand). Cytogenetic location: 20q13.13.
Variant type: Microsatellite.
Coding change: c.1035_1038del on transcript NM_001282531.3 (MANE Select); coding-DNA positions 1035 to 1038, 4 bases deleted (GTCA; older notation c.1035_1038delGTCA).
Protein change: p.Gln345_Ser346insTer.
Molecular consequence: frameshift variant.
Genome position (GRCh38, 1-based): chr20:50,893,676-50,893,679, TGAC deleted on the plus strand (GTCA on the coding strand, the reverse complement: ADNP is on the minus strand); deleting any 4 consecutive bases within chr20:50,893,676-50,893,683 gives the same sequence; the c. name uses the placement nearest the transcript's 3' end. VCF-style (leftmost placement, unchanged base first): chr20-50893675-TTGAC-T. GRCh37 (hg19) VCF-style: chr20-49510212-TTGAC-T.
Other names: c.1035_1038del, p.Gln345_Ser346insTer (NM_001282532.2, NM_001347511.2, NM_015339.5 and 1 more transcripts).
Identifiers: ClinVar variation 3340383 (VCV003340383.1).

ClinVar aggregate classification (germline): Pathogenic (1 of 4 stars; one submission).

Submission:

GeneDx
Classification: Pathogenic. Last evaluated: 2023-12-18. Review status: criteria provided, single submitter. Criteria: GeneDx Variant Classification Process June 2021. Collection method: clinical testing. Allele origin: germline. Affected: yes.
Comment: Has been reported (as c.1035_1038del:p.Q345fs using alternate nomenclature) as de novo in a patient from a cohort of individuals with autism spectrum disorder (PMID: 28263302); Nonsense variant predicted to result in protein truncation, as the last 757 amino acids are lost, and other loss-of-function variants have been reported downstream in HGMD; Not observed at significant frequency in large population cohorts (gnomAD); This variant is associated with the following publications: (PMID: 31332282, 35982159, 24077912, 28263302)